The following is an entry in ClinVar:

NM_006227.4(PLTP):c.1115G>A (p.Arg372His)

Gene: PLTP (phospholipid transfer protein; minus strand). Cytogenetic location: 20q13.12.
Variant type: single nucleotide variant.
Coding change: c.1115G>A on transcript NM_006227.4 (MANE Select); coding-DNA position 1115, G replaced by A.
Protein change: p.Arg372His; replaces arginine 372 with histidine.
Molecular consequence: missense variant.
Genome position (GRCh38, 1-based): chr20:45,902,327, C>T on the plus strand (G>A on the coding strand, the complement: PLTP is on the minus strand). VCF-style: chr20-45902327-C-T. GRCh37 (hg19) VCF-style: chr20-44530966-C-T.
Other names: c.830G>A, p.Arg277His (NM_001242920.2); c.851G>A, p.Arg284His (NM_001242921.1); c.959G>A, p.Arg320His (NM_182676.3); c.1115G>A (NM_006227.3); short protein forms R277H, R284H, R320H, R372H.
Identifiers: ClinVar variation 1428342 (VCV001428342.7), dbSNP rs144710772, ClinGen allele CA9883606.

ClinVar aggregate classification (germline): Uncertain significance. Review status: criteria provided, multiple submitters, no conflicts (2 of 4 stars). 2 submissions from 2 submitters: Uncertain significance (2). Last evaluated 2025-05-15.

Allele frequency attached by ClinVar (database versions not stated): 1000 Genomes Project 0.00020; ExAC 0.00029; 1000 Genomes Project 30x 0.00031; ESP Exome Variant Server 0.00031; gnomAD exomes 0.00038 and 0.00052; gnomAD 0.00039 and 0.00041; TOPMed 0.00040.
gnomAD v4.1: 799 of 1,614,176 alleles (0.049%); highest among the groups gnomAD compares: Non-Finnish European, 0.062%; 2 homozygotes.

Submissions (2):

Labcorp Genetics (formerly Invitae), Labcorp
Classification: Uncertain significance. Last evaluated: 2025-05-15. Review status: criteria provided, single submitter. Criteria: Invitae Variant Classification Sherloc (09022015). Collection method: clinical testing. Allele origin: germline.
Comment: This sequence change replaces arginine, which is basic and polar, with histidine, which is basic and polar, at codon 372 of the PLTP protein (p.Arg372His). This variant is present in population databases (rs144710772, gnomAD 0.06%), and has an allele count higher than expected for a pathogenic variant. This variant has not been reported in the literature in individuals affected with PLTP-related conditions. ClinVar contains an entry for this variant (Variation ID: 1428342). An algorithm developed to predict the effect of missense changes on protein structure and function (PolyPhen-2) suggests that this variant is likely to be disruptive. In summary, the available evidence is currently insufficient to determine the role of this variant in disease. Therefore, it has been classified as a Variant of Uncertain Significance.

Ambry Genetics
Classification: Uncertain significance. Last evaluated: 2021-10-06. Review status: criteria provided, single submitter. Criteria: Ambry Variant Classification Scheme 2023. Collection method: clinical testing. Allele origin: germline.